The following is an entry in ClinVar:

ClinVar aggregate classification (germline): Uncertain significance. Review status: criteria provided, multiple submitters, no conflicts (2 of 4 stars). 2 submissions from 2 submitters: Uncertain significance (2). Last evaluated 2021-08-26.

Conditions:
Norman-Roberts syndrome (LIS2). Also called: Lissencephaly 2 (Norman-Roberts type). Identifiers: Orphanet 89844, MedGen C0796089, MONDO:0009760, OMIM 257320.
Familial temporal lobe epilepsy 7. Identifiers: Orphanet 101046, MedGen C4225327, MONDO:0014639, OMIM 616436.

Allele frequency attached by ClinVar (database versions not stated): gnomAD exomes below 0.00001.
gnomAD v4.1: 1 of 1,614,082 alleles (0.000062%); highest among the groups gnomAD compares: Admixed American, 0.0017%; no homozygotes.

Submissions (2):

Blueprint Genetics
Classification: Uncertain significance. Last evaluated: 2021-08-26. Review status: criteria provided, single submitter. Criteria: ACMG Guidelines, 2015. Collection method: clinical testing. Allele origin: germline.

Labcorp Genetics (formerly Invitae), Labcorp
Classification: Uncertain significance for Familial temporal lobe epilepsy 7; Norman-Roberts syndrome. Last evaluated: 2019-09-26. Review status: criteria provided, single submitter. Criteria: Invitae Variant Classification Sherloc (09022015). Collection method: clinical testing. Allele origin: germline.
Comment: In summary, the available evidence is currently insufficient to determine the role of this variant in disease. Therefore, it has been classified as a Variant of Uncertain Significance. Algorithms developed to predict the effect of sequence changes on RNA splicing suggest that this variant may create or strengthen a splice site, but this prediction has not been confirmed by published transcriptional studies. Algorithms developed to predict the effect of missense changes on protein structure and function are either unavailable or do not agree on the potential impact of this missense change (SIFT: "Deleterious"; PolyPhen-2: "Probably Damaging"; Align-GVGD: "Class C0"). This variant has not been reported in the literature in individuals with RELN-related conditions. This variant is not present in population databases (ExAC no frequency). This sequence change replaces aspartic acid with glycine at codon 1592 of the RELN protein (p.Asp1592Gly). The aspartic acid residue is highly conserved and there is a moderate physicochemical difference between aspartic acid and glycine.

NM_005045.4(RELN):c.4775A>G (p.Asp1592Gly)

Gene: RELN (reelin; minus strand). Cytogenetic location: 7q22.1.
Variant type: single nucleotide variant.
Coding change: c.4775A>G on transcript NM_005045.4 (MANE Select); coding-DNA position 4775, A replaced by G.
Protein change: p.Asp1592Gly; replaces aspartic acid 1592 with glycine.
Molecular consequence: missense variant.
Genome position (GRCh38, 1-based): chr7:103,566,385, T>C on the plus strand (A>G on the coding strand, the complement: RELN is on the minus strand). VCF-style: chr7-103566385-T-C. GRCh37 (hg19) VCF-style: chr7-103206832-T-C.
Other names: c.4775A>G, p.Asp1592Gly (NM_173054.3); short protein forms D1592G.
Identifiers: ClinVar variation 941218 (VCV000941218.10), dbSNP rs961895163, ClinGen allele CA163914298.